The following is an entry in ClinVar:

ClinVar aggregate classification (germline): Uncertain significance (1 of 4 stars; one submission).

Conditions:
Adams-Oliver syndrome 5 (AOS5). Identifiers: Orphanet 974, MedGen C4014970, MONDO:0014459, OMIM 616028.

Submission:

Labcorp Genetics (formerly Invitae), Labcorp
Classification: Uncertain significance for Adams-Oliver syndrome 5. Last evaluated: 2022-03-31. Review status: criteria provided, single submitter. Criteria: Invitae Variant Classification Sherloc (09022015). Collection method: clinical testing. Allele origin: germline.
Comment: This sequence change replaces glycine, which is neutral and non-polar, with glutamic acid, which is acidic and polar, at codon 901 of the NOTCH1 protein (p.Gly901Glu). In summary, the available evidence is currently insufficient to determine the role of this variant in disease. Therefore, it has been classified as a Variant of Uncertain Significance. Algorithms developed to predict the effect of missense changes on protein structure and function (SIFT, PolyPhen-2, Align-GVGD) all suggest that this variant is likely to be disruptive. This variant has not been reported in the literature in individuals affected with NOTCH1-related conditions. This variant is not present in population databases (gnomAD no frequency).

NM_017617.5(NOTCH1):c.2702G>A (p.Gly901Glu)

Gene: NOTCH1 (notch receptor 1; minus strand). Cytogenetic location: 9q34.3.
Variant type: single nucleotide variant.
Coding change: c.2702G>A on transcript NM_017617.5 (MANE Select); coding-DNA position 2702, G replaced by A.
Protein change: p.Gly901Glu; replaces glycine 901 with glutamic acid.
Molecular consequence: missense variant.
Genome position (GRCh38, 1-based): chr9:136,510,691, C>T on the plus strand (G>A on the coding strand, the complement: NOTCH1 is on the minus strand). VCF-style: chr9-136510691-C-T. GRCh37 (hg19) VCF-style: chr9-139405143-C-T.
Other names: short protein forms G901E.
Identifiers: ClinVar variation 2196532 (VCV002196532.4), dbSNP rs2133353055, ClinGen allele CA375554829.